The following is an entry in ClinVar:

ClinVar aggregate classification (germline): Uncertain significance. Review status: criteria provided, multiple submitters, no conflicts (2 of 4 stars). 2 submissions from 2 submitters: Uncertain significance (2). Last evaluated 2026-08-22.

Conditions:
Hereditary cancer-predisposing syndrome. Also called: Hereditary neoplastic syndrome; Neoplastic Syndromes, Hereditary; Tumor predisposition; Hereditary Cancer Syndrome. Identifiers: Orphanet 140162, MedGen C0027672, MeSH D009386, MONDO:0015356.

Submissions (2):

Ambry Genetics
Classification: Uncertain significance for Hereditary cancer-predisposing syndrome. Last evaluated: 2026-08-22. Review status: criteria provided, single submitter. Criteria: Ambry Variant Classification Scheme 2023. Collection method: clinical testing. Allele origin: germline.
Comment: The p.V791A variant (also known as c.2372T>C), located in coding exon 21 of the POLE gene, results from a T to C substitution at nucleotide position 2372. The valine at codon 791 is replaced by alanine, an amino acid with similar properties. This amino acid position is conserved. In addition, this alteration is predicted to be tolerated by in silico analysis. Based on the available evidence, the clinical significance of this variant remains unclear.

Labcorp Genetics (formerly Invitae), Labcorp
Classification: Uncertain significance. Last evaluated: 2024-08-13. Review status: criteria provided, single submitter. Criteria: Invitae Variant Classification Sherloc (09022015). Collection method: clinical testing. Allele origin: germline.
Comment: This sequence change replaces valine, which is neutral and non-polar, with alanine, which is neutral and non-polar, at codon 791 of the POLE protein (p.Val791Ala). This variant is not present in population databases (gnomAD no frequency). This variant has not been reported in the literature in individuals affected with POLE-related conditions. Advanced modeling of protein sequence and biophysical properties (such as structural, functional, and spatial information, amino acid conservation, physicochemical variation, residue mobility, and thermodynamic stability) performed at Invitae indicates that this missense variant is not expected to disrupt POLE protein function with a negative predictive value of 80%. In summary, the available evidence is currently insufficient to determine the role of this variant in disease. Therefore, it has been classified as a Variant of Uncertain Significance.

NM_006231.4(POLE):c.2372T>C (p.Val791Ala)

Gene: POLE (DNA polymerase epsilon, catalytic subunit; minus strand). Cytogenetic location: 12q24.33.
Variant type: single nucleotide variant.
Coding change: c.2372T>C on transcript NM_006231.4 (MANE Select); coding-DNA position 2372, T replaced by C.
Protein change: p.Val791Ala; replaces valine 791 with alanine.
Molecular consequence: missense variant.
Genome position (GRCh38, 1-based): chr12:132,665,398, A>G on the plus strand (T>C on the coding strand, the complement: POLE is on the minus strand). VCF-style: chr12-132665398-A-G. GRCh37 (hg19) VCF-style: chr12-133241984-A-G.
Other names: c.2372T>C (NM_006231.2); short protein forms V791A.
Identifiers: ClinVar variation 3627257 (VCV003627257.3).